The following is an entry in ClinVar:

NM_013372.7(GREM1):c.235G>C (p.Glu79Gln)

Gene: GREM1 (gremlin 1, DAN family BMP antagonist; plus strand). Cytogenetic location: 15q13.3.
Variant type: single nucleotide variant.
Coding change: c.235G>C on transcript NM_013372.7 (MANE Select); coding-DNA position 235, G replaced by C.
Protein change: p.Glu79Gln; replaces glutamic acid 79 with glutamine.
Molecular consequence: missense variant. On other transcripts: intron variant (2).
Genome position (GRCh38, 1-based): chr15:32,730,925, G>C. VCF-style: chr15-32730925-G-C. GRCh37 (hg19) VCF-style: chr15-33023126-G-C.
Other names: c.235G>C, p.Glu79Gln (NM_001368719.1); c.115-3G>C (NM_001191323.2); c.28-3G>C (NM_001191322.2); short protein forms E79Q.
Identifiers: ClinVar variation 3522520 (VCV003522520.1).
Genomic context (GRCh38, chr15:32,730,925, plus strand): 5'-GGGCGGGGCCAAGGGCGGGGCACTGCCATGCCCGGGGAGGAGGTGCTGGAGTCCAGCCAA[G>C]AGGCCCTGCATGTGACGGAGCGCAAATACCTGAAGCGAGACTGGTGCAAAACCCAGCCGC-3'
Protein context (NP_037504.1, residues 69-89): PGEEVLESSQ[Glu79Gln]ALHVTERKYL

ClinVar aggregate classification (germline): Uncertain significance (1 of 4 stars; one submission).

Conditions:
Hereditary cancer-predisposing syndrome. Also called: Hereditary Cancer Syndrome; Hereditary neoplastic syndrome; Tumor predisposition; Neoplastic Syndromes, Hereditary. Identifiers: Orphanet 140162, MedGen C0027672, MeSH D009386, MONDO:0015356.

Submission:

Ambry Genetics
Classification: Uncertain significance for Hereditary cancer-predisposing syndrome. Last evaluated: 2024-11-10. Review status: criteria provided, single submitter. Criteria: Ambry Variant Classification Scheme 2023. Collection method: clinical testing. Allele origin: germline.
Comment: The p.E79Q variant (also known as c.235G>C), located in coding exon 1 of the GREM1 gene, results from a G to C substitution at nucleotide position 235. The glutamic acid at codon 79 is replaced by glutamine, an amino acid with highly similar properties. This amino acid position is conserved. In addition, the in silico prediction for this alteration is inconclusive. Based on the available evidence, the clinical significance of this variant remains unclear.